The following is an entry in ClinVar:

NM_138694.4(PKHD1):c.10637del (p.Val3546fs)

Gene: PKHD1 (PKHD1 ciliary IPT domain containing fibrocystin/polyductin; minus strand). Cytogenetic location: 6p12.3.
Variant type: Deletion.
Coding change: c.10637del on transcript NM_138694.4 (MANE Select); coding-DNA position 10637, one base deleted (T; older notation c.10637delT).
Protein change: p.Val3546fs; shifts the reading frame from valine 3546.
Molecular consequence: frameshift variant.
Genome position (GRCh38, 1-based): chr6:51,659,489, A deleted on the plus strand (T on the coding strand, the reverse complement: PKHD1 is on the minus strand). VCF-style (leftmost placement, unchanged base first): chr6-51659488-GA-G. GRCh37 (hg19) VCF-style: chr6-51524286-GA-G.
Other names: c.10637del (NM_138694.3); short protein forms V3546fs.
Identifiers: ClinVar variation 279874 (VCV000279874.65), dbSNP rs770461067, ClinGen allele CA3851042.

ClinVar aggregate classification (germline): Pathogenic. Review status: criteria provided, multiple submitters, no conflicts (2 of 4 stars). 15 submissions from 14 submitters: Pathogenic (15). Last evaluated 2026-05-18.

Conditions:
Cystic renal disease.
PKHD1-related disorder. Also called: PKHD1-related condition.
Polycystic kidney disease 4 (PKD4). Also called: POLYCYSTIC KIDNEY DISEASE 4 WITH OR WITHOUT POLYCYSTIC LIVER DISEASE; POLYCYSTIC KIDNEY AND HEPATIC DISEASE 1; POLYCYSTIC KIDNEY DISEASE, INFANTILE, TYPE I; Autosomal Recessive Polycystic Kidney Disease – PKHD1; PKD3. Identifiers: MedGen C4540575, MONDO:0033004, OMIM 263200.
Autosomal recessive polycystic kidney disease (ARPKD). Also called: AR polycystic kidney disease. Identifiers: Orphanet 731, Orphanet 8378, MedGen C0085548, MeSH D017044, MONDO:0009889.

Allele frequency attached by ClinVar (database versions not stated): gnomAD exomes 0.00002 and 0.00005; TOPMed 0.00002; ExAC 0.00003; gnomAD 0.00003; ESP Exome Variant Server 0.00008.

Submissions (15):

PreventionGenetics, part of Exact Sciences
Classification: Pathogenic for PKHD1-related condition. Last evaluated: 2026-05-18. Review status: criteria provided, single submitter. Criteria: ACMG Guidelines, 2015. Collection method: clinical testing. Allele origin: germline.
Comment: The PKHD1 c.10637delT variant is predicted to result in a frameshift and premature protein termination (p.Val3546Alafs*22). This variant has been reported to be pathogenic for autosomal recessive polycystic kidney disease (ARPKD) (Ward et al. 2002. PubMed ID: 11919560; Tong et al. 2016. PubMed ID: 27752906, Table S2, Denamur et al. 2009. PubMed ID: 19940839). This variant is reported in 0.0035% of alleles in individuals of European (Non-Finnish) descent in gnomAD. Frameshift variants in PKHD1 are expected to be pathogenic. This variant is interpreted as pathogenic.

Natera, Inc.
Classification: Pathogenic for Autosomal recessive polycystic kidney disease. Last evaluated: 2026-01-14. Review status: criteria provided, single submitter. Criteria: Natera Variant Classification Schema (03/2026). Collection method: clinical testing. Allele origin: germline.
Comment: The c.10637delT variant in PKHD1 is a frameshift variant predicted to shift the reading frame beginning at codon 3546 and leads to a stop codon 22 codons downstream. This variant is expected to result in nonsense mediated decay, truncation, or a dysfunctional protein product. This variant is rare in the general population with a frequency below the threshold expected for the associated phenotype(s). This variant has been observed in one or more individuals affected with the associated recessive disease, as either homozygous or compound heterozygous with a second variant (PMID: 15805161). Given the available evidence, this variant is classified as Pathogenic.

Genetics Laboratory, Great Ormond Street Hospital NHS Foundation Trust, North Thames Genomic Laboratory Hub
Classification: Pathogenic for Cystic renal disease. Last evaluated: 2026-01-13. Review status: criteria provided, single submitter. Criteria: ACGS Best Practice Guidelines for Variant Classification in Rare Disease 2024 v1.2. Collection method: clinical testing. Allele origin: germline. Affected: yes.
Comment: PM2_moderate, PVS1_very-strong, PM3_moderate

Victorian Clinical Genetics Services, Murdoch Childrens Research Institute
Classification: Pathogenic for Polycystic kidney disease 4. Last evaluated: 2025-10-27. Review status: criteria provided, single submitter. Criteria: ACMG Guidelines, 2015. Collection method: clinical testing. Allele origin: germline. Affected: yes.
Comment: This variant is classified as Pathogenic. Evidence in support of pathogenic classification: Variant is predicted to cause nonsense-mediated decay (NMD) and loss of protein (premature termination codon is located at least 54 nucleotides upstream of the final exon-exon junction); Variant is present in gnomAD <0.01 for a recessive condition (v4: 70 heterozygotes, 0 homozygotes); This variant has strong previous evidence of pathogenicity in unrelated individuals. This variant has been classified as pathogenic by mulitple clinical laboratories in ClinVar. It has also been reported in the literature in at least one compound heterozygous individual with autosomal recessive polycystic kidney disease (PMID: 19914852); Other NMD-predicted variants comparable to the one identified in this case have very strong previous evidence for pathogenicity (DECIPHER). Additional information: This variant is heterozygous; This gene is associated with autosomal recessive disease; however, there are emerging reports of heterozygous carriers of PKHD1 variants developing liver cysts and nephrocalcinosis (PMID: 21945273, 36691356); Loss of function is a known mechanism of disease in this gene and is associated with polycystic kidney disease 4, with or without hepatic disease (MIM#263200); Variants in this gene are known to have variable expressivity. Significant intrafamilial variability has been reported (PMID: 20301501); Inheritance information for this variant is not currently available in this individual.

GeneDx
Classification: Pathogenic. Last evaluated: 2025-05-09. Review status: criteria provided, single submitter. Criteria: GeneDx Variant Classification Process June 2021. Collection method: clinical testing. Allele origin: germline. Affected: yes.
Comment: Frameshift variant predicted to result in protein truncation or nonsense mediated decay in a gene for which loss-of-function is a known mechanism of disease; Not observed at significant frequency in large population cohorts (gnomAD); This variant is associated with the following publications: (PMID: 12506140, 11919560, 15805161, 19940839, 19914852, 27752906, 31589614)

Fulgent Genetics
Classification: Pathogenic for Polycystic kidney disease 4. Last evaluated: 2024-03-25. Review status: criteria provided, single submitter. Criteria: ACMG Guidelines, 2015. Collection method: clinical testing. Allele origin: germline.

Baylor Genetics
Classification: Pathogenic for Polycystic kidney disease 4. Last evaluated: 2024-03-19. Review status: criteria provided, single submitter. Criteria: ACMG Guidelines, 2015. Collection method: clinical testing. Allele origin: unknown.

Labcorp Genetics (formerly Invitae), Labcorp
Classification: Pathogenic for Autosomal recessive polycystic kidney disease. Last evaluated: 2024-03-07. Review status: criteria provided, single submitter. Criteria: Invitae Variant Classification Sherloc (09022015). Collection method: clinical testing. Allele origin: germline.
Comment: This sequence change creates a premature translational stop signal (p.Val3546Alafs*22) in the PKHD1 gene. It is expected to result in an absent or disrupted protein product. Loss-of-function variants in PKHD1 are known to be pathogenic (PMID: 19940839). This variant is present in population databases (rs770461067, gnomAD 0.003%). This premature translational stop signal has been observed in individuals with autosomal recessive polycystic kidney disease (PMID: 11919560, 19940839, 27752906). ClinVar contains an entry for this variant (Variation ID: 279874). For these reasons, this variant has been classified as Pathogenic.

Centre of Medical Genetics, University Hospital Muenster
Classification: Pathogenic. Last evaluated: 2024-02-04. Review status: criteria provided, single submitter. Criteria: ACMG Guidelines, 2015. Collection method: clinical testing. Allele origin: unknown. Affected: yes. Observed: 1 variant allele, 1 heterozygote.
Comment: ACMG categories: PVS1,PP4,PP5

Blueprint Genetics
Classification: Pathogenic for PKHD1-related disorders. Last evaluated: 2023-05-31. Review status: criteria provided, single submitter. Criteria: ACMG Guidelines, 2015. Collection method: clinical testing. Allele origin: germline. Affected: yes. Observed: 5 variant alleles.

CeGaT Center for Human Genetics Tuebingen
Classification: Pathogenic. Last evaluated: 2022-10-01. Review status: criteria provided, single submitter. Criteria: CeGaT Center For Human Genetics Tuebingen Variant Classification Criteria Version 2. Collection method: clinical testing. Allele origin: germline. Affected: yes. Observed: 1 variant allele.
Comment: PKHD1: PVS1, PM2

Revvity Omics, Revvity
Classification: Pathogenic for Polycystic kidney disease 4. Last evaluated: 2019-10-30. Review status: criteria provided, single submitter. Criteria: ACMG Guidelines, 2015. Collection method: clinical testing. Allele origin: germline.

Eurofins Ntd Llc (ga)
Classification: Pathogenic. Last evaluated: 2018-06-11. Review status: criteria provided, single submitter. Criteria: EGL ClinVar v180209 classification definitions. Collection method: clinical testing. Allele origin: germline. Observed: 2 variant alleles, 2 heterozygotes.

Women's Health and Genetics/Laboratory Corporation of America, LabCorp
Classification: Pathogenic for Autosomal recessive polycystic kidney disease. Last evaluated: 2017-10-30. Review status: criteria provided, single submitter. Criteria: LabCorp Variant Classification Summary - May 2015. Collection method: clinical testing. Allele origin: germline.
Comment: Variant summary: The PKHD1 c.10637delT (p.Val3546AlafsX22) variant results in a premature termination codon, predicted to cause a truncated or absent PKHD1 protein due to nonsense mediated decay, which are commonly known mechanisms for disease. A truncation downstream of this position, c.11314C>T (p.Arg3772X) has been classified as pathogenic by our laboratory. This variant was found in 3/244940 control chromosomes (gnomAD) at a frequency of 0.0000122, which does not exceed the estimated maximal expected allele frequency of a pathogenic PKHD1 variant (0.0070711). Multiple publications have cited this variant in affected individuals. In addition, multiple clinical diagnostic laboratories/reputable databases classified this variant as pathogenic. Taken together, this variant is classified as pathogenic.

Baylor Genetics
Classification: Pathogenic for Polycystic kidney disease 4. Review status: criteria provided, single submitter. Criteria: ACMG Guidelines, 2015. Collection method: clinical testing. Allele origin: germline.

Literature cited by the submitters: PubMed 15805161 (cited by Natera, Inc.); PubMed 19914852 (cited by Victorian Clinical Genetics Services, Murdoch Childrens Research Institute); PubMed 36691356 (cited by Victorian Clinical Genetics Services, Murdoch Childrens Research Institute); PubMed 21945273 (cited by Victorian Clinical Genetics Services, Murdoch Childrens Research Institute); PubMed 20301501 (cited by Victorian Clinical Genetics Services, Murdoch Childrens Research Institute); PubMed 19940839 (cited by Labcorp Genetics (formerly Invitae), Labcorp and Women's Health and Genetics/Laboratory Corporation of America, LabCorp); PubMed 11919560 (cited by Labcorp Genetics (formerly Invitae), Labcorp); PubMed 27752906 (cited by Labcorp Genetics (formerly Invitae), Labcorp and Women's Health and Genetics/Laboratory Corporation of America, LabCorp).